The following is an entry in ClinVar:

ClinVar aggregate classification (germline): Uncertain significance (1 of 4 stars; one submission).

Conditions:
Holoprosencephaly 11 (HPE11). Identifiers: Orphanet 2162, MedGen C3280215, MONDO:0013642, OMIM 614226.

Submission:

Dasa
Classification: Uncertain significance for Holoprosencephaly 11. Last evaluated: 2025-11-04. Review status: criteria provided, single submitter. Criteria: DASA Assertion Criteria. Collection method: clinical testing. Allele origin: germline.
Comment: NM_001378964.1(CDON):c.3214G>T (p.Gly1072Trp) is a missense variant that results in the substitution of glycine with tryptophan. This variant is absent from population databases. The currently available literature and clinical evidence are not sufficient to establish a definitive association between this variant and the reported condition. Therefore, this variant is classified as a variant of uncertain significance.

NM_001378964.1(CDON):c.3214G>T (p.Gly1072Trp)

Gene: CDON (cell adhesion associated, oncogene regulated; minus strand). Cytogenetic location: 11q24.2.
Variant type: single nucleotide variant.
Coding change: c.3214G>T on transcript NM_001378964.1 (MANE Select); coding-DNA position 3214, G replaced by T.
Protein change: p.Gly1072Trp; replaces glycine 1072 with tryptophan.
Molecular consequence: missense variant.
Genome position (GRCh38, 1-based): chr11:125,981,111, C>A on the plus strand (G>T on the coding strand, the complement: CDON is on the minus strand). VCF-style: chr11-125981111-C-A. GRCh37 (hg19) VCF-style: chr11-125851006-C-A.
Other names: c.3214G>T, p.Gly1072Trp (NM_001441161.1, NM_001441162.1, NM_001441163.1 and 5 more transcripts); short protein forms G1072W.
Identifiers: ClinVar variation 4882582 (VCV004882582.2).